The following is an entry in ClinVar:

ClinVar aggregate classification (germline): Uncertain significance (3 of 4 stars; one submission).

Conditions:
Hereditary factor IX deficiency disease (HEMB). Also called: F9 DEFICIENCY; FACTOR IX DEFICIENCY; PLASMA THROMBOPLASTIN COMPONENT DEFICIENCY; Hemophilia B; Christmas Disease. Identifiers: Orphanet 98879, MedGen C0008533, MeSH D002836, MONDO:0010604, OMIM 306900.

Submission:

ClinGen Coagulation Factor Deficiency Variant Curation Expert Panel, Clingen
Classification: Uncertain significance for Hereditary factor IX deficiency disease. Last evaluated: 2024-05-09. Review status: reviewed by expert panel. Criteria: ClinGen CoagFactor ACMG Specifications F9 V1.0.0. Collection method: curation. Allele origin: germline. Inheritance: X-linked inheritance.
Comment: The c.1235G>C (NM_000133.4) variant in F9 is a missense variant predicted to cause substitution of Glycine by Alanine at amino acid 412 (p.Gly412Ala). This variant has been reported in at least 1 proband meeting the hemophilia B phenotype criteria specified by the Coagulation Factor Deficiency VCEP (PS4_Supporting; PMID: 11013449). This variant is absent from gnomAD v2.1.1 and v3.1.1 (PM2_Supporting). The computational predictor REVEL gives a score of 0.984, which is above the threshold of 0.6, evidence that correlates with impact to F9 function (PP3). In summary, this variant meets the criteria to be classified as Uncertain Significance for X-linked recessive hemophilia B based on the ACMG/AMP criteria applied, as specified by the ClinGen Coagulation Factor Deficiency VCEP: PM5, PP3, PS4_Supporting, PM2_Supporting. (ClinGen Coagulation Factor Deficiency Expert Panel Specifications to the ACMG/AMP Variant Interpretation Guidelines for F9 Version 1.0.0., Released 10/5/2023)

NM_000133.4(F9):c.1235G>C (p.Gly412Ala)

Gene: F9 (coagulation factor IX; plus strand). Cytogenetic location: Xq27.1.
Variant type: single nucleotide variant.
Coding change: c.1235G>C on transcript NM_000133.4 (MANE Select); coding-DNA position 1235, G replaced by C.
Protein change: p.Gly412Ala; replaces glycine 412 with alanine.
Molecular consequence: missense variant.
Genome position (GRCh38, 1-based): chrX:139,561,920, G>C. VCF-style: chrX-139561920-G-C. GRCh37 (hg19) VCF-style: chrX-138644079-G-C.
Other names: NM_001313913.2:c.1121G>C; c.1121G>C, p.Gly374Ala (NM_001313913.2); short protein forms G374A, G412A.
Identifiers: ClinVar variation 3242382 (VCV003242382.1), dbSNP rs1233706534.
Genomic context (GRCh38, chrX:139,561,920, plus strand): 5'-ACAACATGTTCTGTGCTGGCTTCCATGAAGGAGGTAGAGATTCATGTCAAGGAGATAGTG[G>C]GGGACCCCATGTTACTGAAGTGGAAGGGACCAGTTTCTTAACTGGAATTATTAGCTGGGG-3'
Protein context (NP_000124.1, residues 402-422): GGRDSCQGDS[Gly412Ala]GPHVTEVEGT